The following is an entry in ClinVar:

NM_006180.6(NTRK2):c.721-6T>C

Gene: NTRK2 (neurotrophic receptor tyrosine kinase 2; plus strand). Cytogenetic location: 9q21.33.
Variant type: single nucleotide variant.
Coding change: c.721-6T>C on transcript NM_006180.6 (MANE Select); 6 bases into the intron before coding-DNA position 721, T replaced by C.
Molecular consequence: intron variant.
Genome position (GRCh38, 1-based): chr9:84,724,218, T>C. VCF-style: chr9-84724218-T-C. GRCh37 (hg19) VCF-style: chr9-87339133-T-C.
Other names: c.721-6T>C (NM_001369532.1, NM_001369533.1, NM_001018066.3 and 18 more transcripts); c.253-6T>C (NM_001369536.1, NM_001369535.1, NM_001369550.1 and 2 more transcripts).
Identifiers: ClinVar variation 3348570 (VCV003348570.1).

ClinVar aggregate classification (germline): Likely benign (0 of 4 stars; one submission).

Conditions:
NTRK2-related disorder. Also called: NTRK2-related condition.

gnomAD v4.1: 11 of 1,614,150 alleles (0.00068%); highest among the groups gnomAD compares: Non-Finnish European, 0.00093%; no homozygotes.

Submission:

PreventionGenetics, part of Exact Sciences
Classification: Likely benign for NTRK2-related condition. Last evaluated: 2023-09-21. Review status: no assertion criteria provided. Collection method: clinical testing. Allele origin: germline.
Comment: This variant is classified as likely benign based on ACMG/AMP sequence variant interpretation guidelines (Richards et al. 2015 PMID: 25741868, with internal and published modifications).